The following is an entry in ClinVar:

ClinVar aggregate classification (germline): Conflicting classifications of pathogenicity. Review status: criteria provided, conflicting classifications (1 of 4 stars). 3 submissions from 3 submitters: Uncertain significance (2); Likely benign (1). Last evaluated 2025-11-27.

Conditions:
Inborn genetic diseases. Identifiers: MedGen C0950123, MeSH D030342.

Allele frequency attached by ClinVar (database versions not stated): 1000 Genomes Project 30x 0.00016; 1000 Genomes Project 0.00020; TOPMed 0.00013.
gnomAD v4.1: 326 of 1,580,162 alleles (0.021%); highest among the groups gnomAD compares: Non-Finnish European, 0.018%; 1 homozygote.

Submissions (3):

Labcorp Genetics (formerly Invitae), Labcorp
Classification: Uncertain significance. Last evaluated: 2025-11-27. Review status: criteria provided, single submitter. Criteria: Invitae Variant Classification Sherloc (09022015). Collection method: clinical testing. Allele origin: germline.
Comment: This sequence change replaces alanine, which is neutral and non-polar, with proline, which is neutral and non-polar, at codon 73 of the TBX18 protein (p.Ala73Pro). This variant is present in population databases (rs556991020, gnomAD 0.1%), and has an allele count higher than expected for a pathogenic variant. This variant has not been reported in the literature in individuals affected with TBX18-related conditions. ClinVar contains an entry for this variant (Variation ID: 2514089). An algorithm developed to predict the effect of missense changes on protein structure and function (PolyPhen-2) suggests that this variant is likely to be tolerated. In summary, the available evidence is currently insufficient to determine the role of this variant in disease. Therefore, it has been classified as a Variant of Uncertain Significance.

Ambry Genetics
Classification: Uncertain significance for Inborn genetic diseases. Last evaluated: 2025-09-01. Review status: criteria provided, single submitter. Criteria: Ambry Variant Classification Scheme 2023. Collection method: clinical testing. Allele origin: germline.

Laboratory of Genetics, Children's Clinical University Hospital Latvia
Classification: Likely benign. Last evaluated: 2025-02-16. Review status: criteria provided, single submitter. Criteria: ACMG Guidelines, 2015. Collection method: clinical testing. Allele origin: germline. Affected: yes.

NM_001080508.3(TBX18):c.217G>C (p.Ala73Pro)

Gene: TBX18 (T-box transcription factor 18; minus strand). Cytogenetic location: 6q14.3.
Variant type: single nucleotide variant.
Coding change: c.217G>C on transcript NM_001080508.3 (MANE Select); coding-DNA position 217, G replaced by C.
Protein change: p.Ala73Pro; replaces alanine 73 with proline.
Molecular consequence: missense variant.
Genome position (GRCh38, 1-based): chr6:84,763,965, C>G on the plus strand (G>C on the coding strand, the complement: TBX18 is on the minus strand). VCF-style: chr6-84763965-C-G. GRCh37 (hg19) VCF-style: chr6-85473683-C-G.
Other names: short protein forms A73P.
Identifiers: ClinVar variation 2514089 (VCV002514089.6), dbSNP rs556991020, ClinGen allele CA3911174.